The following is an entry in ClinVar:

ClinVar aggregate classification (germline): Uncertain significance (1 of 4 stars; one submission).

Conditions:
Leber congenital amaurosis 1 (LCA1). Also called: AMAUROSIS CONGENITA OF LEBER I; RETINAL BLINDNESS, CONGENITAL; Congenital absence of the rods and cones; Leber's congenital tapetoretinal degeneration; Leber's congenital tapetoretinal dysplasia. Identifiers: Orphanet 65, MedGen C2931258, MONDO:0008764, OMIM 204000.
Cone-rod dystrophy 6 (CORD6). Also called: RETINAL CONE DYSTROPHY 2; Cone dystrophy progressive. Identifiers: Orphanet 1872, MedGen C1866293, MONDO:0011143, OMIM 601777.

Allele frequency attached by ClinVar (database versions not stated): gnomAD exomes below 0.00001 and 0.00001; ExAC 0.00001; gnomAD 0.00003 and 0.00004; TOPMed 0.00004; ESP Exome Variant Server 0.00008.
gnomAD v4.1: 11 of 1,612,652 alleles (0.00068%); highest among the groups gnomAD compares: African/African-American, 0.0093%; no homozygotes.

Submission:

Labcorp Genetics (formerly Invitae), Labcorp
Classification: Uncertain significance for Leber congenital amaurosis 1; Cone-rod dystrophy 6. Last evaluated: 2024-11-11. Review status: criteria provided, single submitter. Criteria: Invitae Variant Classification Sherloc (09022015). Collection method: clinical testing. Allele origin: germline.
Comment: This sequence change replaces arginine, which is basic and polar, with glutamine, which is neutral and polar, at codon 433 of the GUCY2D protein (p.Arg433Gln). The frequency data for this variant in the population databases is considered unreliable, as metrics indicate poor data quality at this position in the gnomAD database. This missense change has been observed in individual(s) with clinical features of GUCY2D-related conditions (internal data). ClinVar contains an entry for this variant (Variation ID: 1063531). Invitae Evidence Modeling of protein sequence and biophysical properties (such as structural, functional, and spatial information, amino acid conservation, physicochemical variation, residue mobility, and thermodynamic stability) indicates that this missense variant is not expected to disrupt GUCY2D protein function with a negative predictive value of 80%. In summary, the available evidence is currently insufficient to determine the role of this variant in disease. Therefore, it has been classified as a Variant of Uncertain Significance.

NM_000180.4(GUCY2D):c.1298G>A (p.Arg433Gln)

Gene: GUCY2D (guanylate cyclase 2D, retinal; plus strand). Cytogenetic location: 17p13.1.
Variant type: single nucleotide variant.
Coding change: c.1298G>A on transcript NM_000180.4 (MANE Select); coding-DNA position 1298, G replaced by A.
Protein change: p.Arg433Gln; replaces arginine 433 with glutamine.
Molecular consequence: missense variant.
Genome position (GRCh38, 1-based): chr17:8,006,634, G>A. VCF-style: chr17-8006634-G-A. GRCh37 (hg19) VCF-style: chr17-7909952-G-A.
Other names: short protein forms R433Q.
Identifiers: ClinVar variation 1063531 (VCV001063531.5), dbSNP rs144151076, ClinGen allele CA8365702.